The following is an entry in ClinVar:

ClinVar aggregate classification (germline): Pathogenic (1 of 4 stars; one submission).

Conditions:
Hereditary cancer-predisposing syndrome. Also called: Tumor predisposition; Hereditary Cancer Syndrome; Neoplastic Syndromes, Hereditary; Hereditary neoplastic syndrome. Identifiers: Orphanet 140162, MedGen C0027672, MeSH D009386, MONDO:0015356.

Submission:

Ambry Genetics
Classification: Pathogenic for Hereditary cancer-predisposing syndrome. Last evaluated: 2024-07-19. Review status: criteria provided, single submitter. Criteria: Ambry Variant Classification Scheme 2023. Collection method: clinical testing. Allele origin: germline.
Comment: The p.L2659* pathogenic mutation (also known as c.7976T>A), located in coding exon 53 of the ATM gene, results from a T to A substitution at nucleotide position 7976. This changes the amino acid from a leucine to a stop codon within coding exon 53. This variant is considered to be rare based on population cohorts in the Genome Aggregation Database (gnomAD). This alteration is expected to result in loss of function by premature protein truncation or nonsense-mediated mRNA decay. As such, this alteration is interpreted as a disease-causing mutation.

NM_000051.4(ATM):c.7976T>A (p.Leu2659Ter)

Genes: ATM (ATM serine/threonine kinase; plus strand), C11orf65 (chromosome 11 open reading frame 65; minus strand). Cytogenetic location: 11q22.3.
Variant type: single nucleotide variant.
Coding change: c.7976T>A on transcript NM_000051.4 (MANE Select); coding-DNA position 7976, T replaced by A.
Protein change: p.Leu2659Ter; replaces leucine 2659 with a stop codon.
Molecular consequence: nonsense. On other transcripts: intron variant (2).
Genome position (GRCh38, 1-based): chr11:108,333,934, T>A. VCF-style: chr11-108333934-T-A. GRCh37 (hg19) VCF-style: chr11-108204661-T-A.
Other names: c.7976T>A, p.Leu2659Ter (NM_001351834.2); c.641-24863A>T (NM_001330368.2); c.*38+1286A>T (NM_001351110.2); short protein forms L2659*.
Identifiers: ClinVar variation 3450012 (VCV003450012.1).